The following is an entry in ClinVar:

ClinVar aggregate classification (germline): Likely benign. Review status: criteria provided, single submitter (1 of 4 stars). 2 submissions from 2 submitters: Likely benign (1). 1 of the submissions does not count toward it. Last evaluated 2023-05-08.

Conditions:
DEAF1-related disorder.

Allele frequency attached by ClinVar (database versions not stated): gnomAD exomes below 0.00001; TOPMed 0.00001; ExAC 0.00002; gnomAD 0.00003; ESP Exome Variant Server 0.00008.
gnomAD v4.1: 8 of 1,420,880 alleles (0.00056%); highest among the groups gnomAD compares: African/African-American, 0.0088%; no homozygotes.

Submissions (2):

Labcorp Genetics (formerly Invitae), Labcorp
Classification: Likely benign. Last evaluated: 2023-05-08. Review status: criteria provided, single submitter. Criteria: Invitae Variant Classification Sherloc (09022015). Collection method: clinical testing. Allele origin: germline.

PreventionGenetics, part of Exact Sciences
Classification: Likely benign for DEAF1-related condition. Last evaluated: 2024-06-28. Review status: no assertion criteria provided. Collection method: clinical testing. Allele origin: germline. Not counted in ClinVar's aggregate classification.
Comment: This variant is classified as likely benign based on ACMG/AMP sequence variant interpretation guidelines (Richards et al. 2015 PMID: 25741868, with internal and published modifications).

NM_021008.4(DEAF1):c.129C>T (p.Ser43=)

Gene: DEAF1 (DEAF1 transcription factor; minus strand). Cytogenetic location: 11p15.5.
Variant type: single nucleotide variant.
Coding change: c.129C>T on transcript NM_021008.4 (MANE Select); coding-DNA position 129, C replaced by T.
Protein change: p.Ser43=; no amino-acid change (serine 43 retained).
Molecular consequence: synonymous variant. On other transcripts: intron variant (1).
Genome position (GRCh38, 1-based): chr11:694,919, G>A on the plus strand (C>T on the coding strand, the complement: DEAF1 is on the minus strand). VCF-style: chr11-694919-G-A. GRCh37 (hg19) VCF-style: chr11-694919-G-A.
Other names: c.129C>T, p.Ser43= (NM_001293634.2); c.-437-3321C>T (NM_001367390.1).
Identifiers: ClinVar variation 1905725 (VCV001905725.6), dbSNP rs150822128, ClinGen allele CA5786644.